The following is an entry in ClinVar:

ClinVar aggregate classification (germline): Pathogenic/Likely pathogenic. Review status: criteria provided, multiple submitters, no conflicts (2 of 4 stars). 2 submissions from 2 submitters: Pathogenic (1); Likely pathogenic (1). Last evaluated 2025-11-02.

Conditions:
LAMA2-related muscular dystrophy (LAMA2-RD). Also called: Laminin alpha 2-related dystrophy. Identifiers: MedGen C5679788, MONDO:0100228.

Allele frequency attached by ClinVar (database versions not stated): TOPMed below 0.00001; gnomAD 0.00001.
gnomAD v4.1: 2 of 1,613,354 alleles (0.00012%); highest among the groups gnomAD compares: Non-Finnish European, 0.00017%; no homozygotes.

Submissions (2):

Labcorp Genetics (formerly Invitae), Labcorp
Classification: Likely pathogenic for LAMA2-related muscular dystrophy. Last evaluated: 2025-11-02. Review status: criteria provided, single submitter. Criteria: Invitae Variant Classification Sherloc (09022015). Collection method: clinical testing. Allele origin: germline.
Comment: This sequence change affects codon 1620 of the LAMA2 mRNA. It is a 'silent' change, meaning that it does not change the encoded amino acid sequence of the LAMA2 protein. RNA analysis indicates that this variant induces altered splicing and may result in an absent or altered protein product. This variant is present in population databases (no rsID available, gnomAD 0.007%). This variant has been observed in individual(s) with congenital muscular dystrophy (PMID: 30827497). In at least one individual the data is consistent with being in trans (on the opposite chromosome) from a pathogenic variant. ClinVar contains an entry for this variant (Variation ID: 1017561). Variants that disrupt the consensus splice site are a relatively common cause of aberrant splicing (PMID: 17576681, 9536098). Studies have shown that this variant results in skipping of exon 33, and produces a non-functional protein and/or introduces a premature termination codon (PMID: 30827497). In summary, the currently available evidence indicates that the variant is pathogenic, but additional data are needed to prove that conclusively. Therefore, this variant has been classified as Likely Pathogenic.

GeneDx
Classification: Pathogenic. Last evaluated: 2022-11-10. Review status: criteria provided, single submitter. Criteria: GeneDx Variant Classification Process June 2021. Collection method: clinical testing. Allele origin: germline. Affected: yes.
Comment: Identified in an individual with phenotype and immunohistochemistry consistent with congenital muscular dystrophy (O'Grady et al., 2016); Published functional studies demonstrate a damaging splice effect (Gonorazky et al., 2019); Not observed at significant frequency in large population cohorts (gnomAD); In silico analysis supports a deleterious effect on splicing; This variant is associated with the following publications: (PMID: 30827497, 28688748, 27159402, Zhou2022[Review])

Literature cited by the submitters: PubMed 30827497 (cited by Labcorp Genetics (formerly Invitae), Labcorp); PubMed 17576681 (cited by Labcorp Genetics (formerly Invitae), Labcorp); PubMed 9536098 (cited by Labcorp Genetics (formerly Invitae), Labcorp).

NM_000426.4(LAMA2):c.4860G>A (p.Lys1620=)

Gene: LAMA2 (laminin subunit alpha 2; plus strand). Cytogenetic location: 6q22.33.
Variant type: single nucleotide variant.
Coding change: c.4860G>A on transcript NM_000426.4 (MANE Select); coding-DNA position 4860, G replaced by A.
Protein change: p.Lys1620=; no amino-acid change (lysine 1620 retained).
Molecular consequence: synonymous variant.
Genome position (GRCh38, 1-based): chr6:129,366,361, G>A. VCF-style: chr6-129366361-G-A. GRCh37 (hg19) VCF-style: chr6-129687506-G-A.
Other names: c.4860G>A, p.Lys1620= (NM_001079823.2).
Identifiers: ClinVar variation 1017561 (VCV001017561.8), dbSNP rs1256865383, ClinGen allele CA451930586.